The following is an entry in ClinVar:

ClinVar aggregate classification (germline): Uncertain significance (1 of 4 stars; one submission).

Conditions:
Autosomal dominant polycystic kidney disease. Identifiers: Orphanet 730, MedGen C0085413, MONDO:0004691.

Submission:

Labcorp Genetics (formerly Invitae), Labcorp
Classification: Uncertain significance for Autosomal dominant polycystic kidney disease. Last evaluated: 2023-09-04. Review status: criteria provided, single submitter. Criteria: Invitae Variant Classification Sherloc (09022015). Collection method: clinical testing. Allele origin: germline.
Comment: In summary, the available evidence is currently insufficient to determine the role of this variant in disease. Therefore, it has been classified as a Variant of Uncertain Significance. An algorithm developed to predict the effect of missense changes on protein structure and function (PolyPhen-2) suggests that this variant is likely to be disruptive. This variant has not been reported in the literature in individuals affected with PKD2-related conditions. This variant is not present in population databases (gnomAD no frequency). This sequence change replaces aspartic acid, which is acidic and polar, with tyrosine, which is neutral and polar, at codon 891 of the PKD2 protein (p.Asp891Tyr).

NM_000297.4(PKD2):c.2671G>T (p.Asp891Tyr)

Gene: PKD2 (polycystin 2, transient receptor potential cation channel; plus strand). Cytogenetic location: 4q22.1.
Variant type: single nucleotide variant.
Coding change: c.2671G>T on transcript NM_000297.4 (MANE Select); coding-DNA position 2671, G replaced by T.
Protein change: p.Asp891Tyr; replaces aspartic acid 891 with tyrosine.
Molecular consequence: missense variant. On other transcripts: non-coding transcript variant (1).
Genome position (GRCh38, 1-based): chr4:88,075,458, G>T. VCF-style: chr4-88075458-G-T. GRCh37 (hg19) VCF-style: chr4-88996610-G-T.
Other names: short protein forms D891Y.
Identifiers: ClinVar variation 2753449 (VCV002753449.3), dbSNP rs2476011174, ClinGen allele CA357628152.